The following is an entry in ClinVar:

NM_001089.3(ABCA3):c.-368G>A

Gene: ABCA3 (ATP binding cassette subfamily A member 3; minus strand). Cytogenetic location: 16p13.3.
Variant type: single nucleotide variant.
Coding change: c.-368G>A on transcript NM_001089.3 (MANE Select); 368 bases upstream of the start codon, G replaced by A.
Molecular consequence: 5 prime UTR variant.
Genome position (GRCh38, 1-based): chr16:2,329,684, C>T on the plus strand (G>A on the coding strand, the complement: ABCA3 is on the minus strand). VCF-style: chr16-2329684-C-T. GRCh37 (hg19) VCF-style: chr16-2379685-C-T.
Identifiers: ClinVar variation 318593 (VCV000318593.5), dbSNP rs189133667, ClinGen allele CA10648108.

ClinVar aggregate classification (germline): Likely benign (1 of 4 stars; one submission).

Conditions:
Interstitial lung disease due to ABCA3 deficiency. Also called: PULMONARY ALVEOLAR PROTEINOSIS, CONGENITAL, 3. Identifiers: Orphanet 440402, MedGen C1970456, MONDO:0012582, OMIM 610921.

Allele frequency attached by ClinVar (database versions not stated): 1000 Genomes Project 30x 0.00047; 1000 Genomes Project 0.00060; TOPMed 0.00162; gnomAD 0.00168 and 0.00180; gnomAD exomes 0.00758.
gnomAD v4.1: 256 of 152,692 alleles (0.17%); highest among the groups gnomAD compares: Non-Finnish European, 0.31%; 1 homozygote.

Submission:

Illumina Laboratory Services, Illumina
Classification: Likely benign for Interstitial lung disease due to ABCA3 deficiency. Last evaluated: 2018-01-12. Review status: criteria provided, single submitter. Criteria: ICSL Variant Classification Criteria 13 December 2019. Collection method: clinical testing. Allele origin: germline.
Comment: This variant was observed in the ICSL laboratory as part of a predisposition screen in an ostensibly healthy population. It had not been previously curated by ICSL or reported in the Human Gene Mutation Database (HGMD: prior to June 1st, 2018), and was therefore a candidate for classification through an automated scoring system. Utilizing variant allele frequency, disease prevalence and penetrance estimates, and inheritance mode, an automated score was calculated to assess if this variant is too frequent to cause the disease. Based on the score and internal cut-off values, a variant classified as likely benign is not then subjected to further curation. The score for this variant resulted in a classification of likely benign for this disease.